The following is an entry in ClinVar:

NM_005633.4(SOS1):c.2015C>T (p.Ala672Val)

Gene: SOS1 (SOS Ras/Rac guanine nucleotide exchange factor 1; minus strand). Cytogenetic location: 2p22.1.
Variant type: single nucleotide variant.
Coding change: c.2015C>T on transcript NM_005633.4 (MANE Select); coding-DNA position 2015, C replaced by T.
Protein change: p.Ala672Val; replaces alanine 672 with valine.
Molecular consequence: missense variant.
Genome position (GRCh38, 1-based): chr2:39,013,915, G>A on the plus strand (C>T on the coding strand, the complement: SOS1 is on the minus strand). VCF-style: chr2-39013915-G-A. GRCh37 (hg19) VCF-style: chr2-39241056-G-A.
Other names: c.1994C>T, p.Ala665Val (NM_001382394.1); c.2015C>T, p.Ala672Val (NM_001382395.1); short protein forms A665V, A672V.
Identifiers: ClinVar variation 4801150 (VCV004801150.1).

ClinVar aggregate classification (germline): Uncertain significance (1 of 4 stars; one submission).

Conditions:
RASopathy. Also called: rasopathies; Noonan spectrum disorder. Identifiers: Orphanet 536391, MedGen C5555857, MONDO:0021060.

Submission:

Labcorp Genetics (formerly Invitae), Labcorp
Classification: Uncertain significance for RASopathy. Last evaluated: 2025-10-10. Review status: criteria provided, single submitter. Criteria: Invitae Variant Classification Sherloc (09022015). Collection method: clinical testing. Allele origin: germline.
Comment: This sequence change replaces alanine, which is neutral and non-polar, with valine, which is neutral and non-polar, at codon 672 of the SOS1 protein (p.Ala672Val). This variant is not present in population databases (gnomAD no frequency). This variant has not been reported in the literature in individuals affected with SOS1-related conditions. Invitae Evidence Modeling of protein sequence and biophysical properties (such as structural, functional, and spatial information, amino acid conservation, physicochemical variation, residue mobility, and thermodynamic stability) indicates that this missense variant is not expected to disrupt SOS1 protein function with a negative predictive value of 95%. In summary, the available evidence is currently insufficient to determine the role of this variant in disease. Therefore, it has been classified as a Variant of Uncertain Significance.